The following is an entry in ClinVar:

ClinVar aggregate classification (germline): Pathogenic/Likely pathogenic. Review status: criteria provided, multiple submitters, no conflicts (2 of 4 stars). 4 submissions from 4 submitters: Pathogenic (1); Likely pathogenic (2). 1 of the submissions does not count toward it. Last evaluated 2023-05-31.

Conditions:
Intellectual developmental disorder, X-linked 1. Also called: MENTAL RETARDATION, X-LINKED 18; MENTAL RETARDATION, X-LINKED 78; Atkin Flaitz Patil Smith syndrome; Intellectual disability, X-linked 1. Identifiers: Orphanet 777, MedGen C2931498, MONDO:0010656, OMIM 309530.

Submissions (4):

GeneDx
Classification: Pathogenic. Last evaluated: 2023-05-31. Review status: criteria provided, single submitter. Criteria: GeneDx Variant Classification Process June 2021. Collection method: clinical testing. Allele origin: germline. Affected: yes.
Comment: Not observed at significant frequency in large population cohorts (gnomAD); In silico analysis supports that this missense variant has a deleterious effect on protein structure/function; This variant is associated with the following publications: (PMID: 20473311, 33504798, 35118825)

CeGaT Center for Human Genetics Tuebingen
Classification: Likely pathogenic. Last evaluated: 2021-09-01. Review status: criteria provided, single submitter. Criteria: CeGaT Center For Human Genetics Tuebingen Variant Classification Criteria Version 2. Collection method: clinical testing. Allele origin: germline. Affected: yes. Observed: 1 variant allele.

Clinical Genetics and Genomics, Karolinska University Hospital
Classification: Likely pathogenic. Last evaluated: 2016-10-05. Review status: criteria provided, single submitter. Criteria: ACMG Guidelines, 2015. Collection method: clinical testing. Allele origin: germline. Affected: yes. Observed: 1 variant allele.

Centre de Biologie Pathologie Génétique, Centre Hospitalier Universitaire de Lille
Classification: Likely pathogenic for Mental retardation, X-linked 1. Last evaluated: 2019-01-01. Review status: no assertion criteria provided. Collection method: clinical testing. Allele origin: unknown. Affected: yes. Not counted in ClinVar's aggregate classification.

NM_001111125.3(IQSEC2):c.2984G>A (p.Arg995Gln)

Gene: IQSEC2 (IQ motif and Sec7 domain ArfGEF 2; minus strand). Cytogenetic location: Xp11.22.
Variant type: single nucleotide variant.
Coding change: c.2984G>A on transcript NM_001111125.3 (MANE Select); coding-DNA position 2984, G replaced by A.
Protein change: p.Arg995Gln; replaces arginine 995 with glutamine.
Molecular consequence: missense variant.
Genome position (GRCh38, 1-based): chrX:53,241,815, C>T on the plus strand (G>A on the coding strand, the complement: IQSEC2 is on the minus strand). VCF-style: chrX-53241815-C-T. GRCh37 (hg19) VCF-style: chrX-53270997-C-T.
Other names: c.2369G>A, p.Arg790Gln (NM_015075.2); short protein forms R995Q, R790Q.
Identifiers: ClinVar variation 280590 (VCV000280590.40), dbSNP rs886041767, ClinGen allele CA10603495.